The following is an entry in ClinVar:

ClinVar aggregate classification (germline): Uncertain significance (1 of 4 stars; one submission).

Allele frequency attached by ClinVar (database versions not stated): gnomAD exomes below 0.00001.
gnomAD v4.1: 1 of 1,613,830 alleles (0.000062%); highest among the groups gnomAD compares: Non-Finnish European, 0.000085%; no homozygotes.

Submission:

GeneDx
Classification: Uncertain significance. Last evaluated: 2023-02-02. Review status: criteria provided, single submitter. Criteria: GeneDx Variant Classification Process June 2021. Collection method: clinical testing. Allele origin: germline.
Comment: Not observed at significant frequency in large population cohorts (gnomAD); In silico analysis supports that this missense variant has a deleterious effect on protein structure/function; Has not been previously published as pathogenic or benign to our knowledge

NM_177559.3(CSNK2A1):c.802C>T (p.Arg268Cys)

Gene: CSNK2A1 (casein kinase 2 alpha 1; minus strand). Cytogenetic location: 20p13.
Variant type: single nucleotide variant.
Coding change: c.802C>T on transcript NM_177559.3 (MANE Select); coding-DNA position 802, C replaced by T.
Protein change: p.Arg268Cys; replaces arginine 268 with cysteine.
Molecular consequence: missense variant.
Genome position (GRCh38, 1-based): chr20:488,700, G>A on the plus strand (C>T on the coding strand, the complement: CSNK2A1 is on the minus strand). VCF-style: chr20-488700-G-A. GRCh37 (hg19) VCF-style: chr20-469344-G-A.
Other names: c.802C>T, p.Arg268Cys (NM_001362770.2, NM_001362771.2, NM_001895.4); c.394C>T, p.Arg132Cys (NM_177560.3); short protein forms R132C, R268C.
Identifiers: ClinVar variation 1712903 (VCV001712903.3), dbSNP rs2514638329, ClinGen allele CA407926247.